The following is an entry in ClinVar:

NM_000038.6(APC):c.1573T>G (p.Cys525Gly)

Gene: APC (APC regulator of Wnt signaling pathway; plus strand). Cytogenetic location: 5q22.2.
Variant type: single nucleotide variant.
Coding change: c.1573T>G on transcript NM_000038.6 (MANE Select); coding-DNA position 1573, T replaced by G.
Protein change: p.Cys525Gly; replaces cysteine 525 with glycine.
Molecular consequence: missense variant.
Genome position (GRCh38, 1-based): chr5:112,827,953, T>G. VCF-style: chr5-112827953-T-G. GRCh37 (hg19) VCF-style: chr5-112163650-T-G.
Other names: c.1573T>G, p.Cys525Gly (NM_001127510.3, NM_001354895.2); c.1519T>G, p.Cys507Gly (NM_001127511.3); c.1627T>G, p.Cys543Gly (NM_001354896.2); c.1603T>G, p.Cys535Gly (NM_001354897.2); c.1498T>G, p.Cys500Gly (NM_001354898.2); c.1489T>G, p.Cys497Gly (NM_001354899.2); c.1450T>G, p.Cys484Gly (NM_001354900.2); c.1396T>G, p.Cys466Gly (NM_001354901.2); and 5 more; short protein forms C365G, C434G, C500G, C535G, C543G, C242G, C424G, C466G.
Identifiers: ClinVar variation 918906 (VCV000918906.16), dbSNP rs1458155204, ClinGen allele CA16024743.

ClinVar aggregate classification (germline): Uncertain significance. Review status: criteria provided, multiple submitters, no conflicts (2 of 4 stars). 4 submissions from 4 submitters: Uncertain significance (4). Last evaluated 2025-12-11.

Conditions:
Familial adenomatous polyposis 1 (FAP1). Also called: FAMILIAL ADENOMATOUS POLYPOSIS 1, ATTENUATED; POLYPOSIS, ADENOMATOUS INTESTINAL. Identifiers: MedGen C2713442, MONDO:0021056, OMIM 175100. Disease mechanism: loss of function.
Classic or attenuated familial adenomatous polyposis. Identifiers: MedGen CN372698, MONDO:0021057.
Hereditary cancer-predisposing syndrome. Also called: Neoplastic Syndromes, Hereditary; Tumor predisposition; Hereditary Cancer Syndrome; Hereditary neoplastic syndrome. Identifiers: Orphanet 140162, MedGen C0027672, MeSH D009386, MONDO:0015356.

Allele frequency attached by ClinVar (database versions not stated): gnomAD exomes below 0.00001 and 0.00001.

Submissions (4):

Ambry Genetics
Classification: Uncertain significance for Hereditary cancer-predisposing syndrome. Last evaluated: 2025-12-11. Review status: criteria provided, single submitter. Criteria: Ambry Variant Classification Scheme 2023. Collection method: clinical testing. Allele origin: germline.
Comment: The p.C525G variant (also known as c.1573T>G), located in coding exon 12 of the APC gene, results from a T to G substitution at nucleotide position 1573. The cysteine at codon 525 is replaced by glycine, an amino acid with highly dissimilar properties. This amino acid position is highly conserved in available vertebrate species. In addition, in silico predictors for this gene do not accurately predict pathogenicity. Since supporting evidence is limited at this time, the clinical significance of this alteration remains unclear.

Labcorp Genetics (formerly Invitae), Labcorp
Classification: Uncertain significance for Familial adenomatous polyposis 1. Last evaluated: 2025-11-10. Review status: criteria provided, single submitter. Criteria: Invitae Variant Classification Sherloc (09022015). Collection method: clinical testing. Allele origin: germline.
Comment: This sequence change replaces cysteine, which is neutral and slightly polar, with glycine, which is neutral and non-polar, at codon 525 of the APC protein (p.Cys525Gly). This variant is present in population databases (no rsID available, gnomAD 0.003%). This variant has not been reported in the literature in individuals affected with APC-related conditions. ClinVar contains an entry for this variant (Variation ID: 918906). Invitae Evidence Modeling of protein sequence and biophysical properties (such as structural, functional, and spatial information, amino acid conservation, physicochemical variation, residue mobility, and thermodynamic stability) indicates that this missense variant is not expected to disrupt APC protein function with a negative predictive value of 95%. In summary, the available evidence is currently insufficient to determine the role of this variant in disease. Therefore, it has been classified as a Variant of Uncertain Significance.

Color Diagnostics, LLC DBA Color Health
Classification: Uncertain significance for Hereditary cancer-predisposing syndrome. Last evaluated: 2024-03-06. Review status: criteria provided, single submitter. Criteria: ACMG Guidelines, 2015. Collection method: clinical testing. Allele origin: germline.
Comment: This missense variant replaces cysteine with glycine at codon 525 of the APC protein. Computational prediction suggests that this variant may have deleterious impact on protein structure and function (internally defined REVEL score threshold >= 0.7, PMID: 27666373). To our knowledge, functional studies have not been reported for this variant. This variant has not been reported in individuals affected with APC-related disorders in the literature. This variant has been identified in 1/250900 chromosomes in the general population by the Genome Aggregation Database (gnomAD). The available evidence is insufficient to determine the role of this variant in disease conclusively. Therefore, this variant is classified as a Variant of Uncertain Significance.

All of Us Research Program, National Institutes of Health
Classification: Uncertain significance for Classic or attenuated familial adenomatous polyposis. Last evaluated: 2023-08-23. Review status: criteria provided, single submitter. Criteria: ACMG Guidelines, 2015. Collection method: clinical testing. Allele origin: germline. Inheritance: Autosomal dominant inheritance. Observed: 1 variant allele, 1 heterozygote.
Comment: This missense variant replaces cysteine with glycine at codon 525 of the APC protein. Computational prediction tool suggests that this variant may have deleterious impact on protein structure and function (internally defined REVEL score threshold >=0.7, PMID: 27666373). Splice site prediction tools suggest that this variant may not impact RNA splicing. To our knowledge, functional studies have not been performed for this variant. This variant has not been reported in individuals affected with hereditary cancer in the literature. This variant has been identified in 1/250900 chromosomes in the general population by the Genome Aggregation Database (gnomAD). The available evidence is insufficient to determine the role of this variant in disease conclusively. Therefore, this variant is classified as a Variant of Uncertain Significance.

This study involves interpretation of variants in research participants for the purpose of population health screening. Participant phenotype was not available at the time of variant classification. Additional details can be found in publication PMID: 35346344, PMCID: PMC8962531